The following is an entry in ClinVar:

NM_015272.5(RPGRIP1L):c.3221-3C>T

Gene: RPGRIP1L (RPGRIP1 like; minus strand). Cytogenetic location: 16q12.2.
Variant type: single nucleotide variant.
Coding change: c.3221-3C>T on transcript NM_015272.5 (MANE Select); 3 bases into the intron before coding-DNA position 3221, C replaced by T.
Molecular consequence: intron variant.
Genome position (GRCh38, 1-based): chr16:53,636,515, G>A on the plus strand (C>T on the coding strand, the complement: RPGRIP1L is on the minus strand). VCF-style: chr16-53636515-G-A. GRCh37 (hg19) VCF-style: chr16-53670427-G-A.
Other names: c.3119-3C>T (NM_001127897.4, NM_001330538.2); c.3221-3C>T (NM_001308334.3, NM_015272.4).
Identifiers: ClinVar variation 2188274 (VCV002188274.5), dbSNP rs752911154, ClinGen allele CA8057327.
Genomic context (GRCh38, chr16:53,636,515, plus strand): 5'-GAGATAGGACCTGGAATAATACAGTCATCACTGTCAGAAGCTGACATGTCCTCTTCAACT[G>A]TTTAAAAAATAAAAGGGTAACATTTACACAAGTTAAACCAATTCTACTTATACCCTGTAA-3'

ClinVar aggregate classification (germline): Conflicting classifications of pathogenicity. Review status: criteria provided, conflicting classifications (1 of 4 stars). 3 submissions from 3 submitters: Uncertain significance (2); Likely benign (1). Last evaluated 2026-09-10.

Conditions:
RPGRIP1L-related disorder. Also called: RPGRIP1L-related disorders; RPGRIP1L-related condition. Identifiers: MedGen CN239416.
Meckel-Gruber syndrome. Also called: DYSENCEPHALIA SPLANCHNOCYSTICA; GRUBER SYNDROME; Dysencephalia splachnocystica. Identifiers: Orphanet 564, MedGen C0265215, MONDO:0018921.
Joubert syndrome. Also called: JOUBERT-BOLTSHAUSER SYNDROME; Familial aplasia of the vermis. Identifiers: Orphanet 475, MedGen C5979921, MONDO:0018772.

Allele frequency attached by ClinVar (database versions not stated): gnomAD exomes below 0.00001; ExAC 0.00001; gnomAD 0.00002; TOPMed 0.00003.
gnomAD v4.1: 9 of 1,605,514 alleles (0.00056%); highest among the groups gnomAD compares: African/African-American, 0.0067%; no homozygotes.

Submissions (3):

PreventionGenetics, part of Exact Sciences
Classification: Likely benign for RPGRIP1L-related condition. Last evaluated: 2026-09-10. Review status: criteria provided, single submitter. Criteria: ACMG Guidelines, 2015. Collection method: clinical testing. Allele origin: germline.
Comment: This variant is classified as likely benign based on ACMG/AMP sequence variant interpretation guidelines (Richards et al. 2015 PMID: 25741868, with internal and published modifications).

Revvity Omics, Revvity
Classification: Uncertain significance. Last evaluated: 2022-08-01. Review status: criteria provided, single submitter. Criteria: ACMG Guidelines, 2015. Collection method: clinical testing. Allele origin: germline.

Labcorp Genetics (formerly Invitae), Labcorp
Classification: Uncertain significance for Joubert syndrome; Meckel-Gruber syndrome. Last evaluated: 2021-07-28. Review status: criteria provided, single submitter. Criteria: Invitae Variant Classification Sherloc (09022015). Collection method: clinical testing. Allele origin: germline.
Comment: This sequence change falls in intron 21 of the RPGRIP1L gene. It does not directly change the encoded amino acid sequence of the RPGRIP1L protein. It affects a nucleotide within the consensus splice site of the intron. This variant is present in population databases (rs752911154, ExAC 0.01%). This variant has not been reported in the literature in individuals with RPGRIP1L-related conditions. Nucleotide substitutions within the consensus splice site are a relatively common cause of aberrant splicing (PMID: 17576681, 9536098). Algorithms developed to predict the effect of sequence changes on RNA splicing suggest that this variant may disrupt the consensus splice site, but this prediction has not been confirmed by published transcriptional studies. In summary, the available evidence is currently insufficient to determine the role of this variant in disease. Therefore, it has been classified as a Variant of Uncertain Significance.

Literature cited by the submitters: PubMed 17576681 (cited by Labcorp Genetics (formerly Invitae), Labcorp); PubMed 9536098 (cited by Labcorp Genetics (formerly Invitae), Labcorp).